The following is an entry in ClinVar:

ClinVar aggregate classification (germline): Pathogenic (1 of 4 stars; one submission).

Submission:

Labcorp Genetics (formerly Invitae), Labcorp
Classification: Pathogenic. Last evaluated: 2024-01-24. Review status: criteria provided, single submitter. Criteria: Invitae Variant Classification Sherloc (09022015). Collection method: clinical testing. Allele origin: germline.
Comment: This sequence change creates a premature translational stop signal (p.Glu11Argfs*3) in the UCHL1 gene. It is expected to result in an absent or disrupted protein product. Loss-of-function variants in UCHL1 are known to be pathogenic (PMID: 35986737). This variant is not present in population databases (gnomAD no frequency). This variant has not been reported in the literature in individuals affected with UCHL1-related conditions. ClinVar contains an entry for this variant (Variation ID: 1447591). For these reasons, this variant has been classified as Pathogenic.

Literature cited by the submitters: PubMed 35986737.

NM_004181.5(UCHL1):c.30del (p.Glu11fs)

Gene: UCHL1 (ubiquitin C-terminal hydrolase L1; plus strand). Cytogenetic location: 4p13.
Variant type: Deletion.
Coding change: c.30del on transcript NM_004181.5 (MANE Select); coding-DNA position 30, one base deleted (C; older notation c.30delC).
Protein change: p.Glu11fs; shifts the reading frame from glutamic acid 11.
Molecular consequence: frameshift variant.
Genome position (GRCh38, 1-based): chr4:41,257,006, C deleted; the last of 4 consecutive C bases (chr4:41,257,003-41,257,006); deleting any one gives the same sequence. VCF-style (leftmost placement, unchanged base first): chr4-41257002-AC-A. GRCh37 (hg19) VCF-style: chr4-41259019-AC-A.
Other names: short protein forms E11fs.
Identifiers: ClinVar variation 1447591 (VCV001447591.6), dbSNP rs2154087069, ClinGen allele CA2573137716.